The following is an entry in ClinVar:

NM_021922.3(FANCE):c.1260_1268del (p.Cys421_Leu423del)

Gene: FANCE (FA complementation group E; plus strand). Cytogenetic location: 6p21.31.
Variant type: Deletion.
Coding change: c.1260_1268del on transcript NM_021922.3 (MANE Select); coding-DNA positions 1260 to 1268, 9 bases deleted (GTGTTGCCT; older notation c.1260_1268delGTGTTGCCT).
Protein change: p.Cys421_Leu423del.
Molecular consequence: inframe deletion.
Genome position (GRCh38, 1-based): chr6:35,459,704-35,459,712, GTGTTGCCT deleted; deleting any 9 consecutive bases within chr6:35,459,702-35,459,712 gives the same sequence; the c. name uses the placement nearest the transcript's 3' end. VCF-style (leftmost placement, unchanged base first): chr6-35459701-ACTGTGTTGC-A. GRCh37 (hg19) VCF-style: chr6-35427478-ACTGTGTTGC-A.
Identifiers: ClinVar variation 1478384 (VCV001478384.7), dbSNP rs2150897160, ClinGen allele CA2573140315.
Genomic context (GRCh38, chr6:35,459,701, plus strand): 5'-CATTTCCCCCCAGACTTCCCCTTCTGCTGTCCTCTACCCAGGTCCTGCTCAAACAGAGTT[ACTGTGTTGC>A]CTTGTGAAGATGGAGTCCCTGGAGCCAGATGCACAGGTTCTAATGCTGGGGTGAGTGTGC-3'

ClinVar aggregate classification (germline): Uncertain significance (1 of 4 stars; one submission).

Conditions:
Fanconi anemia complementation group E (FANCE). Also called: FANCE-Related Fanconi Anemia. Identifiers: Orphanet 84, MedGen C3160739, MONDO:0010953, OMIM 600901.

Submission:

Labcorp Genetics (formerly Invitae), Labcorp
Classification: Uncertain significance for Fanconi anemia complementation group E. Last evaluated: 2021-06-04. Review status: criteria provided, single submitter. Criteria: Invitae Variant Classification Sherloc (09022015). Collection method: clinical testing. Allele origin: germline.
Comment: This variant is not present in population databases (ExAC no frequency). In summary, the available evidence is currently insufficient to determine the role of this variant in disease. Therefore, it has been classified as a Variant of Uncertain Significance. Experimental studies and prediction algorithms are not available or were not evaluated, and the functional significance of this variant is currently unknown. This variant has not been reported in the literature in individuals with FANCE-related conditions. This variant, c.1260_1268del, results in the deletion of 3 amino acid(s) of the FANCE protein (p.Cys421_Leu423del), but otherwise preserves the integrity of the reading frame.